The following is an entry in ClinVar:

NM_001329.4(CTBP2):c.58+11426C>T

Gene: CTBP2 (C-terminal binding protein 2; minus strand). Cytogenetic location: 10q26.13.
Variant type: single nucleotide variant.
Coding change: c.58+11426C>T on transcript NM_001329.4 (MANE Select); 11426 bases into the intron after coding-DNA position 58, C replaced by T.
Molecular consequence: intron variant. On other transcripts: synonymous variant (1).
Genome position (GRCh38, 1-based): chr10:125,027,571, G>A on the plus strand (C>T on the coding strand, the complement: CTBP2 is on the minus strand). VCF-style: chr10-125027571-G-A. GRCh37 (hg19) VCF-style: chr10-126716140-G-A.
Other names: c.189C>T, p.Pro63= (NM_022802.3); c.58+11426C>T (NM_001083914.3, NM_001290214.3, NM_001321012.2 and 3 more transcripts).
Identifiers: ClinVar variation 3044034 (VCV003044034.2), dbSNP rs3781406, ClinGen allele CA5736614.

ClinVar aggregate classification (germline): Benign (0 of 4 stars; one submission).

Conditions:
CTBP2-related disorder. Also called: CTBP2-related condition.

Allele frequency attached by ClinVar (database versions not stated): gnomAD 0.00100; TOPMed 0.00100; gnomAD exomes 0.00110; ExAC 0.00178; 1000 Genomes Project 30x 0.00453; 1000 Genomes Project 0.00479.
gnomAD v4.1: 1,809 of 1,614,070 alleles (0.11%); highest among the groups gnomAD compares: East Asian, 3.7%; 50 homozygotes.

Submission:

PreventionGenetics, part of Exact Sciences
Classification: Benign for CTBP2-related condition. Last evaluated: 2019-02-22. Review status: no assertion criteria provided. Collection method: clinical testing. Allele origin: germline.
Comment: This variant is classified as benign based on ACMG/AMP sequence variant interpretation guidelines (Richards et al. 2015 PMID: 25741868, with internal and published modifications).